The following is an entry in ClinVar:

NM_182914.3(SYNE2):c.15965C>T (p.Ser5322Phe)

Gene: SYNE2 (spectrin repeat containing nuclear envelope protein 2; plus strand). Cytogenetic location: 14q23.2.
Variant type: single nucleotide variant.
Coding change: c.15965C>T on transcript NM_182914.3 (MANE Select); coding-DNA position 15965, C replaced by T.
Protein change: p.Ser5322Phe; replaces serine 5322 with phenylalanine.
Molecular consequence: missense variant.
Genome position (GRCh38, 1-based): chr14:64,159,313, C>T. VCF-style: chr14-64159313-C-T. GRCh37 (hg19) VCF-style: chr14-64626031-C-T.
Other names: c.15965C>T, p.Ser5322Phe (NM_015180.6); short protein forms S5322F.
Identifiers: ClinVar variation 2905194 (VCV002905194.3), dbSNP rs536122020, ClinGen allele CA7223234.

ClinVar aggregate classification (germline): Uncertain significance (1 of 4 stars; one submission).

Conditions:
Emery-Dreifuss muscular dystrophy 5, autosomal dominant (EDMD5). Also called: EMERY-DREIFUSS MUSCULAR DYSTROPHY 5. Identifiers: Orphanet 261, MedGen C2751805, MONDO:0013072, OMIM 612999.

Allele frequency attached by ClinVar (database versions not stated): gnomAD exomes below 0.00001; ExAC 0.00001; TOPMed 0.00001; gnomAD 0.00002; 1000 Genomes Project 0.00020; 1000 Genomes Project 30x 0.00031.
gnomAD v4.1: 7 of 1,613,828 alleles (0.00043%); highest among the groups gnomAD compares: South Asian, 0.0044%; no homozygotes.

Submission:

Labcorp Genetics (formerly Invitae), Labcorp
Classification: Uncertain significance for Emery-Dreifuss muscular dystrophy 5, autosomal dominant. Last evaluated: 2024-01-06. Review status: criteria provided, single submitter. Criteria: Invitae Variant Classification Sherloc (09022015). Collection method: clinical testing. Allele origin: germline.
Comment: This sequence change replaces serine, which is neutral and polar, with phenylalanine, which is neutral and non-polar, at codon 5322 of the SYNE2 protein (p.Ser5322Phe). This variant is present in population databases (rs536122020, gnomAD 0.003%). This variant has not been reported in the literature in individuals affected with SYNE2-related conditions. Algorithms developed to predict the effect of missense changes on protein structure and function output the following: SIFT: "Not Available"; PolyPhen-2: "Benign"; Align-GVGD: "Not Available". The phenylalanine amino acid residue is found in multiple mammalian species, which suggests that this missense change does not adversely affect protein function. In summary, the available evidence is currently insufficient to determine the role of this variant in disease. Therefore, it has been classified as a Variant of Uncertain Significance.